The following is an entry in ClinVar:

ClinVar aggregate classification (germline): Likely pathogenic (1 of 4 stars; one submission).

Conditions:
3 beta-Hydroxysteroid dehydrogenase deficiency. Also called: 3b-hydroxysteroid dehydrogenase deficiency; ADRENAL HYPERPLASIA, CONGENITAL, DUE TO 3-BETA-HYDROXYSTEROID DEHYDROGENASE 2 DEFICIENCY; Congenital adrenal hyperplasia due to 3-beta-hydroxysteroid dehydrogenase deficiency; 3-BETA-HSD DEFICIENCY; ADRENAL HYPERPLASIA II. Identifiers: Orphanet 90791, MedGen C0342471, MeSH C538236, MONDO:0008727, OMIM 201810. Disease mechanism: loss of function.

Submission:

Natera, Inc.
Classification: Likely pathogenic for 3 beta hydroxysteroid dehydrogenase deficiency. Last evaluated: 2024-03-25. Review status: criteria provided, single submitter. Criteria: Natera Variant Classification Schema (03/2026). Collection method: clinical testing. Allele origin: germline.
Comment: The c.1045A>T variant in HSD3B2 is a nonsense variant predicted to introduce a stop codon at amino acid 349. This variant is expected to result in nonsense mediated decay, truncation, or a dysfunctional protein product. This variant is rare in the general population with a frequency below the threshold expected for the associated phenotype(s). Given the available evidence, this variant is classified as Likely Pathogenic.

NM_000198.4(HSD3B2):c.1045A>T (p.Lys349Ter)

Gene: HSD3B2 (hydroxy-delta-5-steroid dehydrogenase, 3 beta- and steroid delta-isomerase 2; plus strand). Cytogenetic location: 1p12.
Variant type: single nucleotide variant.
Coding change: c.1045A>T on transcript NM_000198.4 (MANE Select); coding-DNA position 1045, A replaced by T.
Protein change: p.Lys349Ter; replaces lysine 349 with a stop codon.
Molecular consequence: nonsense.
Genome position (GRCh38, 1-based): chr1:119,422,546, A>T. VCF-style: chr1-119422546-A-T. GRCh37 (hg19) VCF-style: chr1-119965169-A-T.
Other names: c.1045A>T, p.Lys349Ter (NM_001166120.2); short protein forms K349*.
Identifiers: ClinVar variation 4817892 (VCV004817892.1).